The following is an entry in ClinVar:

NM_198578.4(LRRK2):c.2241+1G>A

Gene: LRRK2 (leucine rich repeat kinase 2; plus strand). Cytogenetic location: 12q12.
Variant type: single nucleotide variant.
Coding change: c.2241+1G>A on transcript NM_198578.4 (MANE Select); the canonical splice donor site of the intron after coding-DNA position 2241, G replaced by A.
Molecular consequence: splice donor variant.
Genome position (GRCh38, 1-based): chr12:40,278,262, G>A. VCF-style: chr12-40278262-G-A. GRCh37 (hg19) VCF-style: chr12-40672064-G-A.
Identifiers: ClinVar variation 2845455 (VCV002845455.4), dbSNP rs1171791842, ClinGen allele CA384405700.

ClinVar aggregate classification (germline): Uncertain significance. Review status: criteria provided, multiple submitters, no conflicts (2 of 4 stars). 2 submissions from 2 submitters: Uncertain significance (2). Last evaluated 2024-05-16.

Conditions:
Autosomal dominant Parkinson disease 8. Also called: LRRK2-Related Parkinson Disease; Parkinson disease 8; Parkinson disease 8, susceptibility to. Identifiers: Orphanet 411602, MedGen C1846862, MONDO:0011764, OMIM 607060.

Allele frequency attached by ClinVar (database versions not stated): TOPMed below 0.00001.

Submissions (2):

Clinical Genomics Laboratory, Washington University in St. Louis
Classification: Uncertain significance for Autosomal dominant Parkinson disease 8. Last evaluated: 2024-05-16. Review status: criteria provided, single submitter. Criteria: ACMG Guidelines, 2015. Collection method: clinical testing. Allele origin: germline.
Comment: The LRRK2 c.2241+1G>A variant, to our knowledge, has not been reported in the medical literature and is absent from the general population (gnomAD v.2.1.1), indicating it is not a common variant. This variant occurs within the canonical splice donor site, which is predicted to cause skipping of the exon, leading to an in-frame transcript lacking a portion of the protein known to be involved in RAB29 activation (Purlyte E et al, PMID: 29212815). Due to limited information, and based on ACMG/AMP guidelines for variant interpretation (Richards S et al., PMID: 25741868), the clinical significance of this variant is uncertain at this time.

Labcorp Genetics (formerly Invitae), Labcorp
Classification: Uncertain significance for Autosomal dominant Parkinson disease 8. Last evaluated: 2023-03-13. Review status: criteria provided, single submitter. Criteria: Invitae Variant Classification Sherloc (09022015). Collection method: clinical testing. Allele origin: germline.
Comment: Algorithms developed to predict the effect of sequence changes on RNA splicing suggest that this variant may disrupt the consensus splice site. This variant has not been reported in the literature in individuals affected with LRRK2-related conditions. This variant is not present in population databases (gnomAD no frequency). This sequence change affects a donor splice site in intron 18 of the LRRK2 gene. It is expected to disrupt RNA splicing. Variants that disrupt the donor or acceptor splice site typically lead to a loss of protein function (PMID: 16199547), however the current clinical and genetic evidence is not sufficient to establish whether loss-of-function variants in LRRK2 cause disease. In summary, the available evidence is currently insufficient to determine the role of this variant in disease. Therefore, it has been classified as a Variant of Uncertain Significance.

Literature cited by the submitters: PubMed 16199547 (cited by Labcorp Genetics (formerly Invitae), Labcorp).